The following is an entry in ClinVar:

ClinVar aggregate classification (germline): Uncertain significance (1 of 4 stars; one submission).

Conditions:
Brugada syndrome. Also called: Sudden unexplained nocturnal death syndrome; Sudden Unexplained Death Syndrome; Sudden Unexplained Nocturnal Death Syndrome (SUNDS); Sudden unexpected nocturnal death syndrome. Identifiers: Orphanet 130, MedGen C1142166, MONDO:0015263.

Allele frequency attached by ClinVar (database versions not stated): gnomAD exomes below 0.00001.
gnomAD v4.1: 4 of 1,614,236 alleles (0.00025%); highest among the groups gnomAD compares: South Asian, 0.0044%; no homozygotes.

Submission:

Labcorp Genetics (formerly Invitae), Labcorp
Classification: Uncertain significance for Brugada syndrome. Last evaluated: 2021-08-31. Review status: criteria provided, single submitter. Criteria: Invitae Variant Classification Sherloc (09022015). Collection method: clinical testing. Allele origin: germline.
Comment: This sequence change replaces serine with threonine at codon 1330 of the SCN10A protein (p.Ser1330Thr). The serine residue is moderately conserved and there is a small physicochemical difference between serine and threonine. This variant is not present in population databases (ExAC no frequency). This variant has not been reported in the literature in individuals affected with SCN10A-related conditions. Algorithms developed to predict the effect of missense changes on protein structure and function output the following: SIFT: "Tolerated"; PolyPhen-2: "Benign"; Align-GVGD: "Class C0". The threonine amino acid residue is found in multiple mammalian species, which suggests that this missense change does not adversely affect protein function. In summary, the available evidence is currently insufficient to determine the role of this variant in disease. Therefore, it has been classified as a Variant of Uncertain Significance.

NM_006514.4(SCN10A):c.3988T>A (p.Ser1330Thr)

Gene: SCN10A (sodium voltage-gated channel alpha subunit 10; minus strand). Cytogenetic location: 3p22.2.
Variant type: single nucleotide variant.
Coding change: c.3988T>A on transcript NM_006514.4 (MANE Select); coding-DNA position 3988, T replaced by A.
Protein change: p.Ser1330Thr; replaces serine 1330 with threonine.
Molecular consequence: missense variant.
Genome position (GRCh38, 1-based): chr3:38,712,262, A>T on the plus strand (T>A on the coding strand, the complement: SCN10A is on the minus strand). VCF-style: chr3-38712262-A-T. GRCh37 (hg19) VCF-style: chr3-38753753-A-T.
Other names: c.3985T>A, p.Ser1329Thr (NM_001293306.2); c.3694T>A, p.Ser1232Thr (NM_001293307.2); short protein forms S1330T, S1329T, S1232T.
Identifiers: ClinVar variation 573098 (VCV000573098.3), dbSNP rs1372622252, ClinGen allele CA352150943.